The following is an entry in ClinVar:

NM_001039211.3(ATAD3C):c.815T>G (p.Phe272Cys)

Gene: ATAD3C (ATPase family AAA domain containing 3C; plus strand). Cytogenetic location: 1p36.33.
Variant type: single nucleotide variant.
Coding change: c.815T>G on transcript NM_001039211.3 (MANE Select); coding-DNA position 815, T replaced by G.
Protein change: p.Phe272Cys; replaces phenylalanine 272 with cysteine.
Molecular consequence: missense variant.
Genome position (GRCh38, 1-based): chr1:1,460,752, T>G. VCF-style: chr1-1460752-T-G. GRCh37 (hg19) VCF-style: chr1-1396132-T-G.
Other names: short protein forms F272C.
Identifiers: ClinVar variation 3257654 (VCV003257654.17).

ClinVar aggregate classification (germline): Likely benign (1 of 4 stars; one submission).

Submission:

CeGaT Center for Human Genetics Tuebingen
Classification: Likely benign. Last evaluated: 2024-07-01. Review status: criteria provided, single submitter. Criteria: CeGaT Center For Human Genetics Tuebingen Variant Classification Criteria Version 2. Collection method: clinical testing. Allele origin: germline. Affected: yes. Observed: 1 variant allele.
Comment: ATAD3C: PP3, BS2